The following is an entry in ClinVar:

ClinVar aggregate classification (germline): Uncertain significance. Review status: criteria provided, multiple submitters, no conflicts (2 of 4 stars). 6 submissions from 6 submitters: Uncertain significance (6). Last evaluated 2026-09-04.

Conditions:
Inborn genetic diseases. Identifiers: MedGen C0950123, MeSH D030342.
Charcot-Marie-Tooth disease type 4F. Also called: Charcot-Marie-Tooth disease, demyelinating, type 4F. Identifiers: Orphanet 99952, MedGen C3540453, MONDO:0013959, OMIM 614895.
Charcot-Marie-Tooth disease type 4. Also called: Charcot-Marie-Tooth disease, type IV; Charcot-Marie-Tooth, Type 4. Identifiers: Orphanet 64749, MedGen C4082197, MONDO:0018995.

Allele frequency attached by ClinVar (database versions not stated): gnomAD 0.00002; ExAC 0.00007; TOPMed 0.00007; ESP Exome Variant Server 0.00008.
gnomAD v4.1: 36 of 1,613,962 alleles (0.0022%); highest among the groups gnomAD compares: Admixed American, 0.035%; no homozygotes.

Submissions (6):

GeneDx
Classification: Uncertain significance. Last evaluated: 2026-09-04. Review status: criteria provided, single submitter. Criteria: GeneDx Variant Classification Process June 2021. Collection method: clinical testing. Allele origin: germline.
Comment: In silico analysis suggests that this missense variant does not alter protein structure/function; Has not been previously published as pathogenic or benign to our knowledge

Ambry Genetics
Classification: Uncertain significance for Inborn genetic diseases. Last evaluated: 2025-08-13. Review status: criteria provided, single submitter. Criteria: Ambry Variant Classification Scheme 2023. Collection method: clinical testing. Allele origin: germline.

Women's Health and Genetics/Laboratory Corporation of America, LabCorp
Classification: Uncertain significance. Last evaluated: 2024-12-23. Review status: criteria provided, single submitter. Criteria: LabCorp Variant Classification Summary - May 2015. Collection method: clinical testing. Allele origin: germline.
Comment: Variant summary: PRX c.2306C>T (p.Pro769Leu) results in a non-conservative amino acid change in the encoded protein sequence. Three of five in-silico tools predict a benign effect of the variant on protein function. The variant allele was found at a frequency of 8.4e-05 in 251170 control chromosomes, predominantly at a frequency of 0.00052 within the Latino subpopulation in the gnomAD database. This frequency is not significantly higher than estimated for a pathogenic variant in PRX causing Charcot-Marie-Tooth disease type 4F (8.4e-05 vs 0.0011), allowing no conclusion about variant significance. To our knowledge, no occurrence of c.2306C>T in individuals affected with Charcot-Marie-Tooth disease type 4F and no experimental evidence demonstrating its impact on protein function have been reported. ClinVar contains an entry for this variant (Variation ID: 894682). Based on the evidence outlined above, the variant was classified as uncertain significance.

Labcorp Genetics (formerly Invitae), Labcorp
Classification: Uncertain significance for Charcot-Marie-Tooth disease type 4. Last evaluated: 2023-10-29. Review status: criteria provided, single submitter. Criteria: Invitae Variant Classification Sherloc (09022015). Collection method: clinical testing. Allele origin: germline.
Comment: This sequence change replaces proline, which is neutral and non-polar, with leucine, which is neutral and non-polar, at codon 769 of the PRX protein (p.Pro769Leu). This variant is present in population databases (rs371887816, gnomAD 0.06%). This variant has not been reported in the literature in individuals affected with PRX-related conditions. ClinVar contains an entry for this variant (Variation ID: 894682). Advanced modeling of protein sequence and biophysical properties (such as structural, functional, and spatial information, amino acid conservation, physicochemical variation, residue mobility, and thermodynamic stability) performed at Invitae indicates that this missense variant is not expected to disrupt PRX protein function with a negative predictive value of 80%. In summary, the available evidence is currently insufficient to determine the role of this variant in disease. Therefore, it has been classified as a Variant of Uncertain Significance.

CeGaT Center for Human Genetics Tuebingen
Classification: Uncertain significance. Last evaluated: 2021-04-01. Review status: criteria provided, single submitter. Criteria: CeGaT Center For Human Genetics Tuebingen Variant Classification Criteria Version 2. Collection method: clinical testing. Allele origin: germline. Affected: yes. Observed: 1 variant allele.

Illumina Laboratory Services, Illumina
Classification: Uncertain significance for Charcot-Marie-Tooth disease type 4F. Last evaluated: 2018-01-13. Review status: criteria provided, single submitter. Criteria: ICSL Variant Classification Criteria 13 December 2019. Collection method: clinical testing. Allele origin: germline.

NM_181882.3(PRX):c.2306C>T (p.Pro769Leu)

Gene: PRX (periaxin; minus strand). Cytogenetic location: 19q13.2.
Variant type: single nucleotide variant.
Coding change: c.2306C>T on transcript NM_181882.3 (MANE Select); coding-DNA position 2306, C replaced by T.
Protein change: p.Pro769Leu; replaces proline 769 with leucine.
Molecular consequence: missense variant. On other transcripts: 3 prime UTR variant (1).
Genome position (GRCh38, 1-based): chr19:40,396,046, G>A on the plus strand (C>T on the coding strand, the complement: PRX is on the minus strand). VCF-style: chr19-40396046-G-A. GRCh37 (hg19) VCF-style: chr19-40901953-G-A.
Other names: c.*2511C>T (NM_020956.2); short protein forms P769L.
Identifiers: ClinVar variation 894682 (VCV000894682.47), dbSNP rs371887816, ClinGen allele CA9444076.